The following is an entry in ClinVar:

ClinVar aggregate classification (germline): Uncertain significance (1 of 4 stars; one submission).

Submission:

Labcorp Genetics (formerly Invitae), Labcorp
Classification: Uncertain significance. Last evaluated: 2019-10-31. Review status: criteria provided, single submitter. Criteria: Invitae Variant Classification Sherloc (09022015). Collection method: clinical testing. Allele origin: germline.
Comment: Algorithms developed to predict the effect of missense changes on protein structure and function (SIFT, PolyPhen-2, Align-GVGD) all suggest that this variant is likely to be disruptive, but these predictions have not been confirmed by published functional studies and their clinical significance is uncertain. This variant has not been reported in the literature in individuals with VCAN-related conditions. This variant is not present in population databases (ExAC no frequency). In summary, the available evidence is currently insufficient to determine the role of this variant in disease. Therefore, it has been classified as a Variant of Uncertain Significance. This sequence change replaces tyrosine with histidine at codon 1384 of the VCAN protein (p.Tyr1384His). The tyrosine residue is highly conserved and there is a moderate physicochemical difference between tyrosine and histidine.

NM_004385.5(VCAN):c.4150T>C (p.Tyr1384His)

Genes: VCAN (versican; plus strand), VCAN-AS1 (VCAN antisense RNA 1; minus strand). Cytogenetic location: 5q14.3.
Variant type: single nucleotide variant.
Coding change: c.4150T>C on transcript NM_004385.5 (MANE Select); coding-DNA position 4150, T replaced by C.
Protein change: p.Tyr1384His; replaces tyrosine 1384 with histidine.
Molecular consequence: missense variant. On other transcripts: intron variant (2).
Genome position (GRCh38, 1-based): chr5:83,537,153, T>C. VCF-style: chr5-83537153-T-C. GRCh37 (hg19) VCF-style: chr5-82832972-T-C.
Other names: c.1189T>C, p.Tyr397His (NM_001164097.2); c.4004-8384T>C (NM_001164098.2); c.1043-8384T>C (NM_001126336.3); short protein forms Y1384H, Y397H.
Identifiers: ClinVar variation 965059 (VCV000965059.9), dbSNP rs1746748330, ClinGen allele CA360307611.